The following is an entry in ClinVar:

NM_001277062.2(MFF):c.566A>G (p.Gln189Arg)

Gene: MFF (mitochondrial fission factor; plus strand). Cytogenetic location: 2q36.3.
Variant type: single nucleotide variant.
Coding change: c.566A>G on transcript NM_001277062.2 (MANE Select); coding-DNA position 566, A replaced by G.
Protein change: p.Gln189Arg; replaces glutamine 189 with arginine.
Molecular consequence: missense variant. On other transcripts: intron variant (4).
Genome position (GRCh38, 1-based): chr2:227,347,351, A>G. VCF-style: chr2-227347351-A-G. GRCh37 (hg19) VCF-style: chr2-228212067-A-G.
Other names: c.719A>G, p.Gln240Arg (NM_001277061.2, NM_020194.5); c.416A>G, p.Gln139Arg (NM_001277067.1); c.449A>G, p.Gln150Arg (NM_001277068.1); c.515+4532A>G (NM_001277063.2); c.441-5163A>G (NM_001277064.2); c.440+6971A>G (NM_001277065.2, NM_001277066.2); short protein forms Q139R, Q150R, Q189R, Q240R.
Identifiers: ClinVar variation 2415393 (VCV002415393.6), dbSNP rs1330458969, ClinGen allele CA350852224.
Genomic context (GRCh38, chr2:227,347,351, plus strand): 5'-ATCTTTCCTCTGCTCGTGGCATTTTGTCGCTTATCCAGTCTTCTACTCGTAGGGCATACC[A>G]GCAGATCTTGGATGTGCTGGATGAAAATCGCAGGTGATTGGCCATCCGTGACTCTTGACA-3'
Protein context (NP_001263991.1, residues 179-199): LIQSSTRRAY[Gln189Arg]QILDVLDENR

ClinVar aggregate classification (germline): Uncertain significance (1 of 4 stars; one submission).

Allele frequency attached by ClinVar (database versions not stated): gnomAD exomes below 0.00001; TOPMed below 0.00001; gnomAD 0.00001.
gnomAD v4.1: 4 of 1,613,644 alleles (0.00025%); highest among the groups gnomAD compares: East Asian, 0.0022%; no homozygotes.

Submission:

Labcorp Genetics (formerly Invitae), Labcorp
Classification: Uncertain significance. Last evaluated: 2022-01-03. Review status: criteria provided, single submitter. Criteria: Invitae Variant Classification Sherloc (09022015). Collection method: clinical testing. Allele origin: germline.
Comment: In summary, the available evidence is currently insufficient to determine the role of this variant in disease. Therefore, it has been classified as a Variant of Uncertain Significance. Algorithms developed to predict the effect of missense changes on protein structure and function are either unavailable or do not agree on the potential impact of this missense change (SIFT: "Deleterious"; PolyPhen-2: "Probably Damaging"; Align-GVGD: "Class C0"). This variant has not been reported in the literature in individuals affected with MFF-related conditions. This variant is present in population databases (no rsID available, gnomAD 0.006%). This sequence change replaces glutamine, which is neutral and polar, with arginine, which is basic and polar, at codon 240 of the MFF protein (p.Gln240Arg).